The following is an entry in ClinVar:

NM_001257291.2(SLC9A7):c.995G>C (p.Ser332Thr)

Gene: SLC9A7 (solute carrier family 9 member A7; minus strand). Cytogenetic location: Xp11.3.
Variant type: single nucleotide variant.
Coding change: c.995G>C on transcript NM_001257291.2 (MANE Select); coding-DNA position 995, G replaced by C.
Protein change: p.Ser332Thr; replaces serine 332 with threonine.
Molecular consequence: missense variant.
Genome position (GRCh38, 1-based): chrX:46,662,062, C>G on the plus strand (G>C on the coding strand, the complement: SLC9A7 is on the minus strand). VCF-style: chrX-46662062-C-G. GRCh37 (hg19) VCF-style: chrX-46521497-C-G.
Other names: c.995G>C, p.Ser332Thr (NM_032591.3); short protein forms S332T.
Identifiers: ClinVar variation 5018377 (VCV005018377.1).
Genomic context (GRCh38, chrX:46,662,062, plus strand): 5'-TACAAAAAGGATATTAGAGCAGTCACAACACCAGTCACAGCTCCCATGGTAAAAGAGCCA[C>G]TAAATATACCTAGAAAAATGCCAACTGACTTAAAAAAGGCAGCAGCATCAAAGGCGTGAG-3'
Protein context (NP_001244220.1, residues 322-342): KSVGIFLGIF[Ser332Thr]GSFTMGAVTG

ClinVar aggregate classification (germline): Uncertain significance (1 of 4 stars; one submission).

Submission:

GeneDx
Classification: Uncertain significance. Last evaluated: 2026-04-09. Review status: criteria provided, single submitter. Criteria: GeneDx Variant Classification Process June 2021. Collection method: clinical testing. Allele origin: germline.
Comment: Not observed at significant frequency in large population cohorts (gnomAD); In silico analysis suggests that this missense variant does not alter protein structure/function; Has not been previously published as pathogenic or benign to our knowledge